The following is an entry in ClinVar:

NM_000059.4(BRCA2):c.5969A>G (p.Asp1990Gly)

Gene: BRCA2 (BRCA2 DNA repair associated; plus strand). Cytogenetic location: 13q13.1.
Variant type: single nucleotide variant.
Coding change: c.5969A>G on transcript NM_000059.4 (MANE Select); coding-DNA position 5969, A replaced by G.
Protein change: p.Asp1990Gly; replaces aspartic acid 1990 with glycine.
Molecular consequence: missense variant.
Genome position (GRCh38, 1-based): chr13:32,340,324, A>G. VCF-style: chr13-32340324-A-G. GRCh37 (hg19) VCF-style: chr13-32914461-A-G.
Other names: short protein forms D1990G.
Identifiers: ClinVar variation 188318 (VCV000188318.22), dbSNP rs148618542, ClinGen allele CA023435.
Genomic context (GRCh38, chr13:32,340,324, plus strand): 5'-CATCTGCAAATACTTGTGGGATTTTTAGCACAGCAAGTGGAAAATCTGTCCAGGTATCAG[A>G]TGCTTCATTACAAAACGCAAGACAAGTGTTTTCTGAAATAGAAGATAGTACCAAGCAAGT-3'
Protein context (NP_000050.3, residues 1980-2000): TASGKSVQVS[Asp1990Gly]ASLQNARQVF

ClinVar aggregate classification (germline): Conflicting classifications of pathogenicity. Review status: criteria provided, conflicting classifications (1 of 4 stars). 4 submissions from 4 submitters: Uncertain significance (3); Likely benign (1). Last evaluated 2025-06-02.

Conditions:
Hereditary cancer-predisposing syndrome. Also called: Neoplastic Syndromes, Hereditary; Tumor predisposition; Hereditary Cancer Syndrome; Hereditary neoplastic syndrome. Identifiers: Orphanet 140162, MedGen C0027672, MeSH D009386, MONDO:0015356.
Hereditary breast ovarian cancer syndrome. Also called: Hereditary breast and ovarian cancer; Hereditary breast and/or ovarian cancer syndrome; BRCA1- and BRCA2-Associated Hereditary Breast and Ovarian Cancer; Hereditary breast and ovarian cancer syndrome (HBOC); Hereditary breast and ovarian cancer syndrome; Breast and ovarian cancer. Identifiers: Orphanet 145, MedGen C0677776, MeSH D061325, MONDO:0003582. Disease mechanism: loss of function.

Allele frequency attached by ClinVar (database versions not stated): TOPMed below 0.00001.

Submissions (4):

Color Diagnostics, LLC DBA Color Health
Classification: Uncertain significance for Hereditary cancer-predisposing syndrome. Last evaluated: 2025-06-02. Review status: criteria provided, single submitter. Criteria: ACMG Guidelines, 2015. Collection method: clinical testing. Allele origin: germline.
Comment: This missense variant replaces aspartic acid with glycine at codon 1990 of the BRCA2 protein. Computational prediction suggests that this variant may not impact protein structure and function. To our knowledge, functional studies have not been reported for this variant. This variant has been detected in a breast cancer case-control meta-analysis in 1/60466 cases and 0/53461 unaffected individuals (PMID: 33471991Leiden Open Variation Database DB-ID BRCA2_008383). Multifactorial analyses have reported likelihood ratios (LR) reaching a combined LR of 0.5297 based on co-occurrence with a pathogenic variant and personal and family history (PMID: 31131967, 31853058). This variant has not been identified in the general population by the Genome Aggregation Database (gnomAD). The available evidence is insufficient to determine the role of this variant in disease conclusively. Therefore, this variant is classified as a Variant of Uncertain Significance.

Labcorp Genetics (formerly Invitae), Labcorp
Classification: Uncertain significance for Hereditary breast ovarian cancer syndrome. Last evaluated: 2024-12-29. Review status: criteria provided, single submitter. Criteria: Invitae Variant Classification Sherloc (09022015). Collection method: clinical testing. Allele origin: germline.
Comment: This sequence change replaces aspartic acid, which is acidic and polar, with glycine, which is neutral and non-polar, at codon 1990 of the BRCA2 protein (p.Asp1990Gly). This variant is not present in population databases (gnomAD no frequency). This missense change has been observed in individual(s) with breast cancer (PMID: 22217648). ClinVar contains an entry for this variant (Variation ID: 188318). Invitae Evidence Modeling of protein sequence and biophysical properties (such as structural, functional, and spatial information, amino acid conservation, physicochemical variation, residue mobility, and thermodynamic stability) indicates that this missense variant is not expected to disrupt BRCA2 protein function with a negative predictive value of 95%. In summary, the available evidence is currently insufficient to determine the role of this variant in disease. Therefore, it has been classified as a Variant of Uncertain Significance.

Ambry Genetics
Classification: Uncertain significance for Hereditary cancer-predisposing syndrome. Last evaluated: 2024-11-01. Review status: criteria provided, single submitter. Criteria: Ambry Variant Classification Scheme 2023. Collection method: clinical testing. Allele origin: germline.
Comment: The p.D1990G variant (also known as c.5969A>G), located in coding exon 10 of the BRCA2 gene, results from an A to G substitution at nucleotide position 5969. The aspartic acid at codon 1990 is replaced by glycine, an amino acid with similar properties. This amino acid position is not well conserved in available vertebrate species. In addition, the in silico prediction for this alteration is inconclusive. Since supporting evidence is limited at this time, the clinical significance of this alteration remains unclear.

University of Washington Department of Laboratory Medicine, University of Washington
Classification: Likely benign for Hereditary cancer-predisposing syndrome. Last evaluated: 2023-03-23. Review status: criteria provided, single submitter. Criteria: Dines et al. (Genet Med. 2020). Collection method: curation. Allele origin: germline.
Comment: Missense variant in a coldspot region where missense variants are very unlikely to be pathogenic (PMID:31911673).

BRCA2 exon 11 coldspot. Reclassification based on statistical prior probability.

Literature cited by the submitters: PubMed 31131967 (cited by Color Diagnostics, LLC DBA Color Health); PubMed 31853058 (cited by Color Diagnostics, LLC DBA Color Health); PubMed 33471991 (cited by Color Diagnostics, LLC DBA Color Health); PubMed 22217648 (cited by Labcorp Genetics (formerly Invitae), Labcorp and Ambry Genetics).